The following is an entry in ClinVar:

NM_003356.4(UCP3):c.298G>A (p.Asp100Asn)

Gene: UCP3 (uncoupling protein 3; minus strand). Cytogenetic location: 11q13.4.
Variant type: single nucleotide variant.
Coding change: c.298G>A on transcript NM_003356.4 (MANE Select); coding-DNA position 298, G replaced by A.
Protein change: p.Asp100Asn; replaces aspartic acid 100 with asparagine.
Molecular consequence: missense variant.
Genome position (GRCh38, 1-based): chr11:74,006,208, C>T on the plus strand (G>A on the coding strand, the complement: UCP3 is on the minus strand). VCF-style: chr11-74006208-C-T. GRCh37 (hg19) VCF-style: chr11-73717253-C-T.
Other names: c.298G>A, p.Asp100Asn (NM_022803.3); short protein forms D100N.
Identifiers: ClinVar variation 3031902 (VCV003031902.2), dbSNP rs143552025, ClinGen allele CA6181550.
Genomic context (GRCh38, chr11:74,006,208, plus strand): 5'-TTCAGGGACCTGGTCACTCACTGTCCGCGCCTTTGGGGGTGTACACCTGCTTGACGGAGT[C>T]ATAGAGGCCGATGCGGATGGAGGCGAAGCTCATCTGGCGCTGCAGGCCGGCCACCAGCCC-3'
Protein context (NP_003347.1, residues 90-110): SFASIRIGLY[Asp100Asn]SVKQVYTPKG

ClinVar aggregate classification (germline): Uncertain significance (0 of 4 stars; one submission).

Conditions:
UCP3-related disorder. Also called: UCP3-related condition.

Allele frequency attached by ClinVar (database versions not stated): gnomAD exomes 0.00001; gnomAD 0.00002; ExAC 0.00003; TOPMed 0.00003; ESP Exome Variant Server 0.00008.
gnomAD v4.1: 26 of 1,613,994 alleles (0.0016%); highest among the groups gnomAD compares: African/African-American, 0.0067%; no homozygotes.

Submission:

PreventionGenetics, part of Exact Sciences
Classification: Uncertain significance for UCP3-related condition. Last evaluated: 2024-01-04. Review status: no assertion criteria provided. Collection method: clinical testing. Allele origin: germline.
Comment: The UCP3 c.298G>A variant is predicted to result in the amino acid substitution p.Asp100Asn. To our knowledge, this variant has not been reported in the literature. This variant is reported in 0.012% of alleles in individuals of African descent in gnomAD. At this time, the clinical significance of this variant is uncertain due to the absence of conclusive functional and genetic evidence.